The following is an entry in ClinVar:

ClinVar aggregate classification (germline): Uncertain significance (1 of 4 stars; one submission).

Conditions:
Hereditary cancer-predisposing syndrome. Also called: Neoplastic Syndromes, Hereditary; Tumor predisposition; Hereditary neoplastic syndrome; Hereditary Cancer Syndrome. Identifiers: Orphanet 140162, MedGen C0027672, MeSH D009386, MONDO:0015356.

Submission:

Ambry Genetics
Classification: Uncertain significance for Hereditary cancer-predisposing syndrome. Last evaluated: 2026-08-13. Review status: criteria provided, single submitter. Criteria: Ambry Variant Classification Scheme 2023. Collection method: clinical testing. Allele origin: germline.
Comment: The c.6657+1G>C intronic variant results from a G to C substitution one nucleotide after coding exon 47 of the POLE gene. Variants that disrupt the canonical splice site are expected to result in aberrant splicing. In silico splice site analysis predicts that this alteration will weaken the native splice donor site. A resulting transcript is predicted to be in-frame and is not expected to trigger nonsense-mediated mRNAdecay; although, direct evidence is unavailable. This nucleotide position is highly conserved in available vertebrate species. Based on the available evidence, the clinical significance of this variant remains unclear.

NM_006231.4(POLE):c.6657+1G>C

Gene: POLE (DNA polymerase epsilon, catalytic subunit; minus strand). Cytogenetic location: 12q24.33.
Variant type: single nucleotide variant.
Coding change: c.6657+1G>C on transcript NM_006231.4 (MANE Select); the canonical splice donor site of the intron after coding-DNA position 6657, G replaced by C.
Molecular consequence: splice donor variant.
Genome position (GRCh38, 1-based): chr12:132,625,644, C>G on the plus strand (G>C on the coding strand, the complement: POLE is on the minus strand). VCF-style: chr12-132625644-C-G. GRCh37 (hg19) VCF-style: chr12-133202230-C-G.
Identifiers: ClinVar variation 5027033 (VCV005027033.1).